The following is an entry in ClinVar:

ClinVar aggregate classification (germline): Likely benign. Review status: criteria provided, multiple submitters, no conflicts (2 of 4 stars). 5 submissions from 5 submitters: Likely benign (4). 1 of the submissions does not count toward it. Last evaluated 2026-01-19.

Conditions:
MSH3-related disorder. Also called: MSH3-related condition.
Hereditary cancer-predisposing syndrome. Also called: Hereditary Cancer Syndrome; Tumor predisposition; Hereditary neoplastic syndrome; Neoplastic Syndromes, Hereditary. Identifiers: Orphanet 140162, MedGen C0027672, MeSH D009386, MONDO:0015356.

Allele frequency attached by ClinVar (database versions not stated): ExAC 0.00003; gnomAD exomes 0.00003; TOPMed 0.00006; gnomAD 0.00010; 1000 Genomes Project 0.00020; 1000 Genomes Project 30x 0.00031.
gnomAD v4.1: 41 of 1,613,984 alleles (0.0025%); highest among the groups gnomAD compares: African/African-American, 0.013%; no homozygotes.

Submissions (5):

Labcorp Genetics (formerly Invitae), Labcorp
Classification: Likely benign. Last evaluated: 2026-01-19. Review status: criteria provided, single submitter. Criteria: Invitae Variant Classification Sherloc (09022015). Collection method: clinical testing. Allele origin: germline.

CeGaT Center for Human Genetics Tuebingen
Classification: Likely benign. Last evaluated: 2024-04-01. Review status: criteria provided, single submitter. Criteria: CeGaT Center For Human Genetics Tuebingen Variant Classification Criteria Version 2. Collection method: clinical testing. Allele origin: germline. Affected: yes. Observed: 2 variant alleles.
Comment: MSH3: BP4, BP7

Sema4
Classification: Likely benign for Hereditary cancer-predisposing syndrome. Last evaluated: 2021-11-27. Review status: criteria provided, single submitter. Criteria: Sema4 Curation Guidelines. Collection method: curation. Allele origin: germline.

Ambry Genetics
Classification: Likely benign for Hereditary cancer-predisposing syndrome. Last evaluated: 2020-09-22. Review status: criteria provided, single submitter. Criteria: Ambry Variant Classification Scheme 2023. Collection method: clinical testing. Allele origin: germline.

PreventionGenetics, part of Exact Sciences
Classification: Likely benign for MSH3-related condition. Last evaluated: 2023-05-04. Review status: no assertion criteria provided. Collection method: clinical testing. Allele origin: germline. Not counted in ClinVar's aggregate classification.
Comment: This variant is classified as likely benign based on ACMG/AMP sequence variant interpretation guidelines (Richards et al. 2015 PMID: 25741868, with internal and published modifications).

NM_002439.5(MSH3):c.1314G>A (p.Ala438=)

Gene: MSH3 (mutS homolog 3; plus strand). Cytogenetic location: 5q14.1.
Variant type: single nucleotide variant.
Coding change: c.1314G>A on transcript NM_002439.5 (MANE Select); coding-DNA position 1314, G replaced by A.
Protein change: p.Ala438=; no amino-acid change (alanine 438 retained).
Molecular consequence: synonymous variant.
Genome position (GRCh38, 1-based): chr5:80,679,067, G>A. VCF-style: chr5-80679067-G-A. GRCh37 (hg19) VCF-style: chr5-79974886-G-A.
Identifiers: ClinVar variation 757368 (VCV000757368.51), dbSNP rs574337805, ClinGen allele CA3327858.
Genomic context (GRCh38, chr5:80,679,067, plus strand): 5'-GTCAAGCCTGCAGCCAGTAGAGCTGCTGCTTCCTTCGGCCTTGTCCGAGCAAACAGAGGC[G>A]CTCATCCACAGAGCCACATCTGTTAGGTAAGTTGGCACATCACTGGAATATAATACCGAT-3'
Protein context (NP_002430.3, residues 428-448): LPSALSEQTE[Ala438=]LIHRATSVSV